The following is an entry in ClinVar:

NM_015726.4(DCAF8):c.854C>T (p.Ala285Val)

Gene: DCAF8 (DDB1 and CUL4 associated factor 8; minus strand). Cytogenetic location: 1q23.2.
Variant type: single nucleotide variant.
Coding change: c.854C>T on transcript NM_015726.4 (MANE Select); coding-DNA position 854, C replaced by T.
Protein change: p.Ala285Val; replaces alanine 285 with valine.
Molecular consequence: missense variant. On other transcripts: non-coding transcript variant (2).
Genome position (GRCh38, 1-based): chr1:160,238,617, G>A on the plus strand (C>T on the coding strand, the complement: DCAF8 is on the minus strand). VCF-style: chr1-160238617-G-A. GRCh37 (hg19) VCF-style: chr1-160208407-G-A.
Other names: short protein forms A285V.
Identifiers: ClinVar variation 4885165 (VCV004885165.2).

ClinVar aggregate classification (germline): Uncertain significance (1 of 4 stars; one submission).

gnomAD v4.1: 4 of 1,602,184 alleles (0.00025%); highest among the groups gnomAD compares: Admixed American, 0.0017%; no homozygotes.

Submission:

Dasa
Classification: Uncertain significance. Last evaluated: 2025-04-10. Review status: criteria provided, single submitter. Criteria: DASA Assertion Criteria. Collection method: clinical testing. Allele origin: germline.
Comment: NM_015726.4(DCAF8):c.854C>T (p.Ala285Val) is a missense variant that results in the substitution of alanine with valine. This variant is rare in population databases. The currently available literature and clinical evidence are not sufficient to establish a definitive association between this variant and the reported condition. Therefore, this variant is classified as a variant of uncertain significance.